The following is an entry in ClinVar:

NM_007198.4(PLPBP):c.735G>A (p.Thr245=)

Gene: PLPBP (pyridoxal phosphate binding protein; plus strand). Cytogenetic location: 8p11.23.
Variant type: single nucleotide variant.
Coding change: c.735G>A on transcript NM_007198.4 (MANE Select); coding-DNA position 735, G replaced by A.
Protein change: p.Thr245=; no amino-acid change (threonine 245 retained).
Molecular consequence: synonymous variant.
Genome position (GRCh38, 1-based): chr8:37,778,011, G>A. VCF-style: chr8-37778011-G-A. GRCh37 (hg19) VCF-style: chr8-37635529-G-A.
Other names: c.765G>A, p.Thr255= (NM_001349346.2); c.729G>A, p.Thr243= (NM_001349347.2); c.579G>A, p.Thr193= (NM_001349348.2).
Identifiers: ClinVar variation 2192487 (VCV002192487.29), dbSNP rs759921827, ClinGen allele CA4711354.

ClinVar aggregate classification (germline): Likely benign. Review status: criteria provided, multiple submitters, no conflicts (2 of 4 stars). 3 submissions from 3 submitters: Likely benign (3). Last evaluated 2025-10-27.

Allele frequency attached by ClinVar (database versions not stated): ExAC 0.00001; gnomAD 0.00001; gnomAD exomes 0.00002; TOPMed 0.00002.
gnomAD v4.1: 31 of 1,613,476 alleles (0.0019%); highest among the groups gnomAD compares: South Asian, 0.0033%; no homozygotes.

Submissions (3):

Labcorp Genetics (formerly Invitae), Labcorp
Classification: Likely benign. Last evaluated: 2025-10-27. Review status: criteria provided, single submitter. Criteria: Invitae Variant Classification Sherloc (09022015). Collection method: clinical testing. Allele origin: germline.

Blueprint Genetics
Classification: Likely benign. Last evaluated: 2024-11-27. Review status: criteria provided, single submitter. Criteria: ACMG Guidelines, 2015. Collection method: clinical testing. Allele origin: germline.

CeGaT Center for Human Genetics Tuebingen
Classification: Likely benign. Last evaluated: 2022-08-01. Review status: criteria provided, single submitter. Criteria: CeGaT Center For Human Genetics Tuebingen Variant Classification Criteria Version 2. Collection method: clinical testing. Allele origin: germline. Affected: yes. Observed: 1 variant allele.
Comment: PLPBP: BP4, BP7